The following is an entry in ClinVar:

NM_001357.5(DHX9):c.2638A>G (p.Ile880Val)

Gene: DHX9 (DExH-box helicase 9; plus strand). Cytogenetic location: 1q25.3.
Variant type: single nucleotide variant.
Coding change: c.2638A>G on transcript NM_001357.5 (MANE Select); coding-DNA position 2638, A replaced by G.
Protein change: p.Ile880Val; replaces isoleucine 880 with valine.
Molecular consequence: missense variant. On other transcripts: non-coding transcript variant (1).
Genome position (GRCh38, 1-based): chr1:182,881,277, A>G. VCF-style: chr1-182881277-A-G. GRCh37 (hg19) VCF-style: chr1-182850412-A-G.
Other names: short protein forms I880V.
Identifiers: ClinVar variation 5039580 (VCV005039580.1).

ClinVar aggregate classification (germline): Uncertain significance (1 of 4 stars; one submission).

gnomAD v4.1: 32 of 1,613,602 alleles (0.002%); highest among the groups gnomAD compares: African/African-American, 0.0093%; no homozygotes.

Submission:

CeGaT Center for Human Genetics Tuebingen
Classification: Uncertain significance. Last evaluated: 2026-07-01. Review status: criteria provided, single submitter. Criteria: CeGaT Center For Human Genetics Tuebingen Variant Classification Criteria Version 2. Collection method: clinical testing. Allele origin: germline. Affected: yes. Observed: 1 variant allele.
Comment: DHX9: PP2, BP4